The following is an entry in ClinVar:

NM_019023.5(PRMT7):c.499G>A (p.Val167Met)

Gene: PRMT7 (protein arginine methyltransferase 7; plus strand). Cytogenetic location: 16q22.1.
Variant type: single nucleotide variant.
Coding change: c.499G>A on transcript NM_019023.5 (MANE Select); coding-DNA position 499, G replaced by A.
Protein change: p.Val167Met; replaces valine 167 with methionine.
Molecular consequence: missense variant. On other transcripts: non-coding transcript variant (12).
Genome position (GRCh38, 1-based): chr16:68,337,566, G>A. VCF-style: chr16-68337566-G-A. GRCh37 (hg19) VCF-style: chr16-68371469-G-A.
Other names: c.349G>A, p.Val117Met (NM_001184824.4); c.499G>A, p.Val167Met (NM_001290018.2, NM_001351143.3, NM_001351144.3 and 1 more transcripts); c.292G>A, p.Val98Met (NM_001378020.1); c.262G>A, p.Val88Met (NM_001378021.1, NM_001378022.1, NM_001378023.1); short protein forms V117M, V88M, V167M, V98M.
Identifiers: ClinVar variation 1028135 (VCV001028135.10), dbSNP rs138763605, ClinGen allele CA8127117.

ClinVar aggregate classification (germline): Conflicting classifications of pathogenicity. Review status: criteria provided, conflicting classifications (1 of 4 stars). 6 submissions from 6 submitters: Uncertain significance (4); Likely benign (2). Last evaluated 2025-03-06.

Conditions:
Short stature-brachydactyly-obesity-global developmental delay syndrome. Also called: Short stature, brachydactyly, intellectual developmental disability, and seizures; SHORT STATURE, BRACHYDACTYLY, IMPAIRED INTELLECTUAL DEVELOPMENT, AND SEIZURES. Identifiers: Orphanet 464288, MedGen C4310689, MONDO:0014944, OMIM 617157.

Allele frequency attached by ClinVar (database versions not stated): gnomAD 0.00007; ESP Exome Variant Server 0.00008; TOPMed 0.00008; gnomAD exomes 0.00010 and 0.00011; ExAC 0.00011; 1000 Genomes Project 30x 0.00016; 1000 Genomes Project 0.00020.
gnomAD v4.1: 168 of 1,603,778 alleles (0.01%); highest among the groups gnomAD compares: Middle Eastern, 0.25%; no homozygotes.

Submissions (6):

GeneDx
Classification: Uncertain significance. Last evaluated: 2025-03-06. Review status: criteria provided, single submitter. Criteria: GeneDx Variant Classification Process June 2021. Collection method: clinical testing. Allele origin: germline. Affected: yes.
Comment: Reported in an individual with leukemia, but additional clinical or segregation information was not provided and this individual was also reported to have multiple variants in other genes (PMID: 26415585); In silico analysis indicates that this missense variant does not alter protein structure/function; This variant is associated with the following publications: (PMID: 25569235, 26415585)

Blueprint Genetics
Classification: Likely benign. Last evaluated: 2024-10-10. Review status: criteria provided, single submitter. Criteria: ACMG Guidelines, 2015. Collection method: clinical testing. Allele origin: germline.

3billion
Classification: Likely benign for Short stature-brachydactyly-obesity-global developmental delay syndrome. Last evaluated: 2024-09-20. Review status: criteria provided, single submitter. Criteria: ACMG Guidelines, 2015. Collection method: clinical testing. Allele origin: germline. Affected: no.
Comment: The homozygous variant was found in patients diagnosed with another variant in a different gene, with no symptoms related to the gene containing the homozygous variant.

Institute for Clinical Genetics, University Hospital TU Dresden, University Hospital TU Dresden
Classification: Uncertain significance. Last evaluated: 2021-11-03. Review status: criteria provided, single submitter. Criteria: ACMG Guidelines, 2015. Collection method: clinical testing. Allele origin: germline.

Baylor Genetics
Classification: Uncertain significance for Short stature-brachydactyly-obesity-global developmental delay syndrome. Last evaluated: 2020-08-01. Review status: criteria provided, single submitter. Criteria: ACMG Guidelines, 2015. Collection method: clinical testing. Allele origin: unknown. Affected: yes.
Comment: This variant was determined to be of uncertain significance according to ACMG Guidelines, 2015 [PMID:25741868].

Breakthrough Genomics
Classification: Uncertain significance. Review status: criteria provided, single submitter. Criteria: ACMG Guidelines, 2015. Collection method: not provided. Allele origin: germline. Inheritance: Autosomal recessive inheritance. Affected: yes.